The following is an entry in ClinVar:

NM_000257.4(MYH7):c.658A>G (p.Ile220Val)

Gene: MYH7 (myosin heavy chain 7; minus strand). Cytogenetic location: 14q11.2.
Variant type: single nucleotide variant.
Coding change: c.658A>G on transcript NM_000257.4 (MANE Select); coding-DNA position 658, A replaced by G.
Protein change: p.Ile220Val; replaces isoleucine 220 with valine.
Molecular consequence: missense variant.
Genome position (GRCh38, 1-based): chr14:23,431,659, T>C on the plus strand (A>G on the coding strand, the complement: MYH7 is on the minus strand). VCF-style: chr14-23431659-T-C. GRCh37 (hg19) VCF-style: chr14-23900868-T-C.
Other names: short protein forms I220V.
Identifiers: ClinVar variation 923411 (VCV000923411.3), dbSNP rs779190577, ClinGen allele CA048726.
Genomic context (GRCh38, chr14:23,431,659, plus strand): 5'-TGTCGTTCCGGACGGTCTTGGCATTGCCAAAGGCCTCCAGAGCAGGGTTGGCCTGGATGA[T>C]CTGGTCCTCCAGGGTGCCCTGCAGAGGCCAAGAAGGAGGCAGGTGAGAGCTCTTCTCCCT-3'
Protein context (NP_000248.2, residues 210-230): SPGKGTLEDQ[Ile220Val]IQANPALEAF

ClinVar aggregate classification (germline): Uncertain significance (1 of 4 stars; one submission).

Conditions:
Cardiomyopathy (CMYO). Also called: Cardiomyopathies. Identifiers: Orphanet 167848, MedGen C0878544, MONDO:0004994, HP:0001638. Inheritance: Various modes of inheritance.

Allele frequency attached by ClinVar (database versions not stated): gnomAD below 0.00001 and 0.00001; gnomAD exomes 0.00001; ExAC 0.00002.
gnomAD v4.1: 5 of 1,614,146 alleles (0.00031%); highest among the groups gnomAD compares: South Asian, 0.0055%; no homozygotes.

Submission:

Color Diagnostics, LLC DBA Color Health
Classification: Uncertain significance for Cardiomyopathy. Last evaluated: 2019-01-28. Review status: criteria provided, single submitter. Criteria: ACMG Guidelines, 2015. Collection method: clinical testing. Allele origin: germline.
Comment: Variant of Uncertain Significance due to insufficient evidence: This missense variant replaces isoleucine with valine at codon 220 of the MYH7 protein. Computational prediction tools and conservation analyses are inconclusive regarding the impact of this variant on the protein function. Computational splicing tools suggest that this variant may not impact RNA splicing. To our knowledge, functional assays have not been performed for this variant nor has this variant been reported in individuals affected with cardiovascular disorders in the literature. This variant has been identified in 3/246270 chromosomes in the general population by the Genome Aggregation Database (gnomAD). Available evidence is insufficient to determine the role of this variant in disease conclusively.